The following is an entry in ClinVar:

NM_000748.3(CHRNB2):c.22G>C (p.Val8Leu)

Genes: CHRNB2 (cholinergic receptor nicotinic beta 2 subunit; plus strand), LOC129931511 (ATAC-STARR-seq lymphoblastoid silent region 1363; plus strand). Cytogenetic location: 1q21.3.
Variant type: single nucleotide variant.
Coding change: c.22G>C on transcript NM_000748.3 (MANE Select); coding-DNA position 22, G replaced by C.
Protein change: p.Val8Leu; replaces valine 8 with leucine.
Molecular consequence: missense variant.
Genome position (GRCh38, 1-based): chr1:154,568,066, G>C. VCF-style: chr1-154568066-G-C. GRCh37 (hg19) VCF-style: chr1-154540542-G-C.
Other names: short protein forms V8L.
Identifiers: ClinVar variation 1019698 (VCV001019698.9), dbSNP rs772815972, ClinGen allele CA342629073.

ClinVar aggregate classification (germline): Uncertain significance (1 of 4 stars; one submission).

Conditions:
Familial sleep-related hypermotor epilepsy. Also called: Autosomal Dominant Sleep-Related Hypermotor (Hyperkinetic) Epilepsy. Identifiers: Orphanet 98784, MedGen C3696898, MONDO:0000030.

Submission:

Labcorp Genetics (formerly Invitae), Labcorp
Classification: Uncertain significance. Last evaluated: 2020-02-18. Review status: criteria provided, single submitter. Criteria: Invitae Variant Classification Sherloc (09022015). Collection method: clinical testing. Allele origin: germline.
Comment: This sequence change replaces valine with leucine at codon 8 of the CHRNB2 protein (p.Val8Leu). The valine residue is weakly conserved and there is a small physicochemical difference between valine and leucine. In summary, the available evidence is currently insufficient to determine the role of this variant in disease. Therefore, it has been classified as a Variant of Uncertain Significance. Algorithms developed to predict the effect of missense changes on protein structure and function (SIFT, PolyPhen-2, Align-GVGD) all suggest that this variant is likely to be tolerated, but these predictions have not been confirmed by published functional studies and their clinical significance is uncertain. This variant has not been reported in the literature in individuals with CHRNB2-related conditions. This variant is not present in population databases (ExAC no frequency).